The following is an entry in ClinVar:

NM_005204.4(MAP3K8):c.1382C>A (p.Pro461Gln)

Gene: MAP3K8 (mitogen-activated protein kinase kinase kinase 8; plus strand). Cytogenetic location: 10p11.23.
Variant type: single nucleotide variant.
Coding change: c.1382C>A on transcript NM_005204.4 (MANE Select); coding-DNA position 1382, C replaced by A.
Protein change: p.Pro461Gln; replaces proline 461 with glutamine.
Molecular consequence: missense variant.
Genome position (GRCh38, 1-based): chr10:30,460,814, C>A. VCF-style: chr10-30460814-C-A. GRCh37 (hg19) VCF-style: chr10-30749743-C-A.
Other names: c.1382C>A, p.Pro461Gln (NM_001244134.1, NM_001320961.2); short protein forms P461Q.
Identifiers: ClinVar variation 3716329 (VCV003716329.2).

ClinVar aggregate classification (germline): Uncertain significance (1 of 4 stars; one submission).

gnomAD v4.1: 16 of 1,613,732 alleles (0.00099%); highest among the groups gnomAD compares: East Asian, 0.027%; no homozygotes.

Submission:

Labcorp Genetics (formerly Invitae), Labcorp
Classification: Uncertain significance. Last evaluated: 2024-09-24. Review status: criteria provided, single submitter. Criteria: Invitae Variant Classification Sherloc (09022015). Collection method: clinical testing. Allele origin: germline.
Comment: This sequence change replaces proline, which is neutral and non-polar, with glutamine, which is neutral and polar, at codon 461 of the MAP3K8 protein (p.Pro461Gln). This variant is not present in population databases (gnomAD no frequency). This variant has not been reported in the literature in individuals affected with MAP3K8-related conditions. An algorithm developed to predict the effect of missense changes on protein structure and function (PolyPhen-2) suggests that this variant is likely to be disruptive. In summary, the available evidence is currently insufficient to determine the role of this variant in disease. Therefore, it has been classified as a Variant of Uncertain Significance.